The following is an entry in ClinVar:

NM_001943.5(DSG2):c.1330A>G (p.Thr444Ala)

Gene: DSG2 (desmoglein 2; plus strand). Cytogenetic location: 18q12.1.
Variant type: single nucleotide variant.
Coding change: c.1330A>G on transcript NM_001943.5 (MANE Select); coding-DNA position 1330, A replaced by G.
Protein change: p.Thr444Ala; replaces threonine 444 with alanine.
Molecular consequence: missense variant.
Genome position (GRCh38, 1-based): chr18:31,535,319, A>G. VCF-style: chr18-31535319-A-G. GRCh37 (hg19) VCF-style: chr18-29115282-A-G.
Other names: short protein forms T444A.
Identifiers: ClinVar variation 3386585 (VCV003386585.2).

ClinVar aggregate classification (germline): Uncertain significance. Review status: criteria provided, multiple submitters, no conflicts (2 of 4 stars). 2 submissions from 2 submitters: Uncertain significance (2). Last evaluated 2024-04-16.

Conditions:
Cardiomyopathy (CMYO). Also called: Cardiomyopathies. Identifiers: Orphanet 167848, MedGen C0878544, MONDO:0004994, HP:0001638. Inheritance: Various modes of inheritance.
Arrhythmogenic right ventricular cardiomyopathy (ARVD). Also called: Arrhythmogenic right ventricular dysplasia; Cardiomyopathy, ARVC; Arrhythmogenic cardiomyopathy; Arrhythmogenic Right Ventricular Cardiomyopathy (ARVC). Identifiers: Orphanet 247, MedGen C0349788, MeSH D019571, MONDO:0016587. Disease mechanism: loss of function. Inheritance: Various modes of inheritance.

gnomAD v4.1: 2 of 1,600,376 alleles (0.00012%); highest among the groups gnomAD compares: Non-Finnish European, 0.00017%; no homozygotes.

Submissions (2):

All of Us Research Program, National Institutes of Health
Classification: Uncertain significance for Arrhythmogenic right ventricular cardiomyopathy. Last evaluated: 2024-04-16. Review status: criteria provided, single submitter. Criteria: ACMG Guidelines, 2015. Collection method: clinical testing. Allele origin: germline. Inheritance: Autosomal dominant inheritance. Observed: 1 variant allele, 1 heterozygote.
Comment: This missense variant replaces threonine with alanine at codon 444 of the DSG2 protein. Computational prediction is inconclusive regarding the impact of this variant on protein structure and function. To our knowledge, functional studies have not been reported for this variant. This variant has been reported in an individual affected with hypertrophic cardiomyopathy (PMID: 32746448). This variant has not been identified in the general population by the Genome Aggregation Database (gnomAD). The available evidence is insufficient to determine the role of this variant in disease conclusively. Therefore, this variant is classified as a Variant of Uncertain Significance.

This study involves interpretation of variants in research participants for the purpose of population health screening. Participant phenotype was not available at the time of variant classification. Additional details can be found in publication PMID: 35346344, PMCID: PMC8962531

Color Diagnostics, LLC DBA Color Health
Classification: Uncertain significance for Cardiomyopathy. Last evaluated: 2024-03-19. Review status: criteria provided, single submitter. Criteria: ACMG Guidelines, 2015. Collection method: clinical testing. Allele origin: germline.
Comment: This missense variant replaces threonine with alanine at codon 444 of the DSG2 protein. Computational prediction is inconclusive regarding the impact of this variant on protein structure and function. To our knowledge, functional studies have not been reported for this variant. This variant has been reported in an individual affected with hypertrophic cardiomyopathy (PMID: 32746448). This variant has not been identified in the general population by the Genome Aggregation Database (gnomAD). The available evidence is insufficient to determine the role of this variant in disease conclusively. Therefore, this variant is classified as a Variant of Uncertain Significance.

Literature cited by the submitters: PubMed 32746448 (cited by All of Us Research Program, National Institutes of Health and Color Diagnostics, LLC DBA Color Health).